The following is an entry in ClinVar:

NM_001754.5(RUNX1):c.170C>T (p.Pro57Leu)

Gene: RUNX1 (RUNX family transcription factor 1; minus strand). Cytogenetic location: 21q22.12.
Variant type: single nucleotide variant.
Coding change: c.170C>T on transcript NM_001754.5 (MANE Select); coding-DNA position 170, C replaced by T.
Protein change: p.Pro57Leu; replaces proline 57 with leucine.
Molecular consequence: missense variant.
Genome position (GRCh38, 1-based): chr21:34,887,024, G>A on the plus strand (C>T on the coding strand, the complement: RUNX1 is on the minus strand). VCF-style: chr21-34887024-G-A. GRCh37 (hg19) VCF-style: chr21-36259321-G-A.
Other names: NM_001754.5(RUNX1):c.170C>T; p.Pro57Leu; c.89C>T, p.Pro30Leu (NM_001001890.3, NM_001122607.2); short protein forms P30L, P57L.
Identifiers: ClinVar variation 660565 (VCV000660565.15), dbSNP rs1266842690, ClinGen allele CA410204032.
Genomic context (GRCh38, chr21:34,887,024, plus strand): 5'-CTGCGGTCGCCGCTCCTCAGCTTGCCGGCCAGGGCAGCGCCGGCGTCCGGGGCGCCCAGC[G>A]GCAACGCCTCGCTCATCTTGCCTGGGCTCAGCGCGGTGGAAGGCGGCGTGAAGCGGCGGC-3'
Protein context (NP_001745.2, residues 47-67): LSPGKMSEAL[Pro57Leu]LGAPDAGAAL

ClinVar aggregate classification (germline): Uncertain significance. Review status: reviewed by expert panel (3 of 4 stars). 5 submissions from 5 submitters: Uncertain significance (1). 4 of the submissions do not count toward it. Last evaluated 2024-07-25.

Conditions:
Inborn genetic diseases. Identifiers: MedGen C0950123, MeSH D030342.
Hereditary thrombocytopenia and hematologic cancer predisposition syndrome. Identifiers: Orphanet 71290, MedGen CN281654, MONDO:0011071.
Hereditary thrombocytopenia and hematological cancer predisposition syndrome associated with RUNX1. Also called: Familial Platelet Disorder with Propensity to Acute Myelogenous Leukemia; Familial thrombocytopenia with propensity to acute myelogenous leukemia; RUNX1 Familial Platelet Disorder with Associated Myeloid Malignancies; PLATELET DISORDER, ASPIRIN-LIKE. Identifiers: Orphanet 71290, MedGen C1832388, MeSH C563324, MONDO:0100083, OMIM 601399.
RUNX1-related disorder. Also called: RUNX1-related condition.

gnomAD v4.1: 11 of 1,601,760 alleles (0.00069%); highest among the groups gnomAD compares: Admixed American, 0.0017%; no homozygotes.

Submissions (5):

ClinGen Myeloid Malignancy Variant Curation Expert Panel
Classification: Uncertain significance for Hereditary thrombocytopenia and hematologic cancer predisposition syndrome. Last evaluated: 2024-07-25. Review status: reviewed by expert panel. Criteria: ClinGen MyeloMalig ACMG Specifications v2. Collection method: curation. Allele origin: germline. Inheritance: Autosomal dominant inheritance.
Comment: NM_001754.5(RUNX1):c.170C>T (p.Pro57Leu) is a missense variant which does not meet any ACMG/AMP criteria. In summary, the clinical significance of this variant is uncertain. ACMG/AMP criteria applied, as specified by the Myeloid Malignancy Variant Curation Expert Panel for RUNX1: None

Ambry Genetics
Classification: Uncertain significance for Inborn genetic diseases. Last evaluated: 2025-05-07. Review status: criteria provided, single submitter. Criteria: Ambry Variant Classification Scheme 2023. Collection method: clinical testing. Allele origin: germline. Not counted in ClinVar's aggregate classification.
Comment: The p.P57L variant (also known as c.170C>T), located in coding exon 3 of the RUNX1 gene, results from a C to T substitution at nucleotide position 170. The proline at codon 57 is replaced by leucine, an amino acid with similar properties. This amino acid position is conserved. In addition, the in silico prediction for this alteration is inconclusive. Based on the available evidence, the clinical significance of this variant remains unclear.

Labcorp Genetics (formerly Invitae), Labcorp
Classification: Benign for Hereditary thrombocytopenia and hematological cancer predisposition syndrome associated with RUNX1. Last evaluated: 2024-04-22. Review status: criteria provided, single submitter. Criteria: Invitae Variant Classification Sherloc (09022015). Collection method: clinical testing. Allele origin: germline. Not counted in ClinVar's aggregate classification.

PreventionGenetics, part of Exact Sciences
Classification: Uncertain significance for RUNX1-related condition. Last evaluated: 2023-04-18. Review status: criteria provided, single submitter. Criteria: ACMG Guidelines, 2015. Collection method: clinical testing. Allele origin: germline. Not counted in ClinVar's aggregate classification.
Comment: The RUNX1 c.170C>T variant is predicted to result in the amino acid substitution p.Pro57Leu. To our knowledge, this variant has not been reported in the literature. This variant is reported in 0.0029% of alleles in individuals of Latino descent in gnomAD. In ClinVar, this variant has conflicting interpretations ranging from benign to a variant of uncertain significance. At this time, the clinical significance of this variant is uncertain due to the absence of conclusive functional and genetic evidence.

Genetic Services Laboratory, University of Chicago
Classification: Uncertain significance. Last evaluated: 2020-01-13. Review status: criteria provided, single submitter. Criteria: ACMG Guidelines, 2015. Collection method: clinical testing. Allele origin: germline. Affected: no. Not counted in ClinVar's aggregate classification.
Comment: DNA sequence analysis of the RUNX1 gene demonstrated a sequence change, c.170C>T, in exon 4 that results in an amino acid change, p.Pro57Leu. This sequence change does not appear to have been previously described in patients with RUNX1-related disorders and has been described in the gnomAD database with a low population frequency of 0.00086% (dbSNP rs1266842690). The p.Pro57Leu change affects a moderately conserved amino acid residue located in a domain of the RUNX1 protein that is known to be functional. In-silico pathogenicity prediction tools (SIFT, PolyPhen2, Align GVGD, REVEL) provide contradictory results for the p.Pro57Leu substitution. Due to these contrasting evidences and the lack of functional studies, the clinical significance of the p.Pro57Leu change remains unknown at this time.